The following is an entry in ClinVar:

NM_005560.6(LAMA5):c.6847C>T (p.Arg2283Trp)

Gene: LAMA5 (laminin subunit alpha 5; minus strand). Cytogenetic location: 20q13.33.
Variant type: single nucleotide variant.
Coding change: c.6847C>T on transcript NM_005560.6 (MANE Select); coding-DNA position 6847, C replaced by T.
Protein change: p.Arg2283Trp; replaces arginine 2283 with tryptophan.
Molecular consequence: missense variant.
Genome position (GRCh38, 1-based): chr20:62,319,708, G>A on the plus strand (C>T on the coding strand, the complement: LAMA5 is on the minus strand). VCF-style: chr20-62319708-G-A. GRCh37 (hg19) VCF-style: chr20-60894764-G-A.
Other names: short protein forms R2283W.
Identifiers: ClinVar variation 2189913 (VCV002189913.2), dbSNP rs763828577, ClinGen allele CA9941533.
Genomic context (GRCh38, chr20:62,319,708, plus strand): 5'-GCTCTGAGCCCTGAGCCTGGCTGGGCTGGCCCCTACCGCTCAGGGTGCGGTCCACAGCCC[G>A]GATGGCCGCCAACAGCGTCTTCGCATGGCCCAGTGTGGCCTCGGTGCCGGCCAGCAATTG-3'
Protein context (NP_005551.3, residues 2273-2293): GHAKTLLAAI[Arg2283Trp]AVDRTLSELM

ClinVar aggregate classification (germline): Uncertain significance (1 of 4 stars; one submission).

Allele frequency attached by ClinVar (database versions not stated): gnomAD exomes 0.00002; TOPMed 0.00005; ExAC 0.00006; gnomAD 0.00006.

Submission:

Labcorp Genetics (formerly Invitae), Labcorp
Classification: Uncertain significance. Last evaluated: 2022-06-09. Review status: criteria provided, single submitter. Criteria: Invitae Variant Classification Sherloc (09022015). Collection method: clinical testing. Allele origin: germline.
Comment: In summary, the available evidence is currently insufficient to determine the role of this variant in disease. Therefore, it has been classified as a Variant of Uncertain Significance. Algorithms developed to predict the effect of missense changes on protein structure and function are either unavailable or do not agree on the potential impact of this missense change (SIFT: "Deleterious"; PolyPhen-2: "Possibly Damaging"; Align-GVGD: "Class C0"). This variant has not been reported in the literature in individuals affected with LAMA5-related conditions. The frequency data for this variant in the population databases is considered unreliable, as metrics indicate poor data quality at this position in the gnomAD database. This sequence change replaces arginine, which is basic and polar, with tryptophan, which is neutral and slightly polar, at codon 2283 of the LAMA5 protein (p.Arg2283Trp).